The following is an entry in ClinVar:

NM_002230.4(JUP):c.967A>G (p.Ser323Gly)

Gene: JUP (junction plakoglobin; minus strand). Cytogenetic location: 17q21.2.
Variant type: single nucleotide variant.
Coding change: c.967A>G on transcript NM_002230.4 (MANE Select); coding-DNA position 967, A replaced by G.
Protein change: p.Ser323Gly; replaces serine 323 with glycine.
Molecular consequence: missense variant.
Genome position (GRCh38, 1-based): chr17:41,765,010, T>C on the plus strand (A>G on the coding strand, the complement: JUP is on the minus strand). VCF-style: chr17-41765010-T-C. GRCh37 (hg19) VCF-style: chr17-39921262-T-C.
Other names: c.967A>G, p.Ser323Gly (NM_001352775.2, NM_001352776.2, NM_001352777.2 and 3 more transcripts); short protein forms S323G.
Identifiers: ClinVar variation 892083 (VCV000892083.8), dbSNP rs781857323, ClinGen allele CA8565326.

ClinVar aggregate classification (germline): Uncertain significance. Review status: criteria provided, multiple submitters, no conflicts (2 of 4 stars). 3 submissions from 2 submitters: Uncertain significance (3). Last evaluated 2025-07-15.

Conditions:
Arrhythmogenic right ventricular dysplasia 12. Also called: ARRHYTHMOGENIC RIGHT VENTRICULAR DYSPLASIA, FAMILIAL, 12. Identifiers: MedGen C1969081, MONDO:0012684, OMIM 611528.
Naxos disease (NXD). Also called: KERATOSIS PALMOPLANTARIS WITH ARRHYTHMOGENIC CARDIOMYOPATHY; MAL DE NAXOS; PALMOPLANTAR KERATODERMA WITH ARRHYTHMOGENIC RIGHT VENTRICULAR CARDIOMYOPATHY AND WOOLLY HAIR; WOOLLY HAIR, PALMOPLANTAR KERATODERMA, AND CARDIAC ABNORMALITIES; CARDIOMYOPATHY, ARRHYTHMOGENIC RIGHT VENTRICULAR, WITH SKIN, HAIR, AND NAIL ABNORMALITIES. Identifiers: Orphanet 34217, MedGen C1832600, MONDO:0011017, OMIM 601214.

Allele frequency attached by ClinVar (database versions not stated): gnomAD 0.00001; gnomAD exomes 0.00001 and 0.00002; TOPMed 0.00001; ExAC 0.00002.
gnomAD v4.1: 24 of 1,613,928 alleles (0.0015%); highest among the groups gnomAD compares: Non-Finnish European, 0.0019%; no homozygotes.

Submissions (3):

Labcorp Genetics (formerly Invitae), Labcorp
Classification: Uncertain significance for Arrhythmogenic right ventricular dysplasia 12; Naxos disease. Last evaluated: 2025-07-15. Review status: criteria provided, single submitter. Criteria: Invitae Variant Classification Sherloc (09022015). Collection method: clinical testing. Allele origin: germline.
Comment: This sequence change replaces serine, which is neutral and polar, with glycine, which is neutral and non-polar, at codon 323 of the JUP protein (p.Ser323Gly). This variant is present in population databases (rs781857323, gnomAD 0.004%). This variant has not been reported in the literature in individuals affected with JUP-related conditions. ClinVar contains an entry for this variant (Variation ID: 892083). An algorithm developed to predict the effect of missense changes on protein structure and function (PolyPhen-2) suggests that this variant is likely to be tolerated. In summary, the available evidence is currently insufficient to determine the role of this variant in disease. Therefore, it has been classified as a Variant of Uncertain Significance.

Illumina Laboratory Services, Illumina
Classification: Uncertain significance for Arrhythmogenic right ventricular dysplasia 12. Last evaluated: 2018-01-13. Review status: criteria provided, single submitter. Criteria: ICSL Variant Classification Criteria 13 December 2019. Collection method: clinical testing. Allele origin: germline.

Illumina Laboratory Services, Illumina
Classification: Uncertain significance for Naxos disease. Last evaluated: 2018-01-13. Review status: criteria provided, single submitter. Criteria: ICSL Variant Classification Criteria 13 December 2019. Collection method: clinical testing. Allele origin: germline.